The following is an entry in ClinVar:

ClinVar aggregate classification (germline): Pathogenic (1 of 4 stars; one submission).

Conditions:
Bardet-Biedl syndrome (BBS). Identifiers: Orphanet 110, MedGen C0752166, MONDO:0015229.

Submission:

Women's Health and Genetics/Laboratory Corporation of America, LabCorp
Classification: Pathogenic for Bardet-Biedl syndrome. Last evaluated: 2024-09-04. Review status: criteria provided, single submitter. Criteria: LabCorp Variant Classification Summary - May 2015. Collection method: clinical testing. Allele origin: germline.
Comment: Variant summary: The variant involves the deletion of exons 14-17 in the BBS1 gene. A presumed nomenclature of c.(1339+1_1340-1)_(*1562_?)del has been designated for the purposes of this classification. The exact breakpoint at the distal 3' end of this variant is unknown, therefore this deletion may extend downstream of the annotated region of the gene. As it encompasses the termination codon, it is predicted to escape nonsense mediated decay (NMD). The variant was absent in 21694 control chromosomes. c.(1339+1_1340-1)_(*1562_?)del has been reported in the literature in the compound heterozygoust state in individuals affected with Bardet-Biedl Syndrome (Nasser_2022, Lindstrand_2016). These data indicate that the variant may be associated with disease. A frameshift variant within the deleted region (p.Leu505Profs*52) has been determined to be pathogenic at Labcorp, supporting the critical relevance of this region to BBS1 protein function. ClinVar contains an entry for this variant (Variation ID: 3244597). Based on the evidence outlined above, the variant was classified as pathogenic.

Literature cited by the submitters: PubMed 27486776; PubMed 35886001.

NC_000011.9:g.(66294279_66297289)_(66301070_?)del

Gene: BBS1 (Bardet-Biedl syndrome 1; plus strand). Cytogenetic location: 11q13.2.
Variant type: Deletion.
Identifiers: ClinVar variation 3375059 (VCV003375059.1).